The following is an entry in ClinVar:

ClinVar aggregate classification (germline): Uncertain significance (1 of 4 stars; one submission).

gnomAD v4.1: 1 of 1,523,574 alleles (0.000066%); highest among the groups gnomAD compares: Admixed American, 0.0021%; no homozygotes.

Submission:

ARUP Laboratories, Molecular Genetics and Genomics, ARUP Laboratories
Classification: Uncertain significance. Last evaluated: 2024-12-20. Review status: criteria provided, single submitter. Criteria: ARUP Molecular Germline Variant Investigation Process 2024. Collection method: clinical testing. Allele origin: germline.
Comment: The PIEZO1 c.2310G>C; p.Gln770His variant, to our knowledge, is not reported in the medical literature or gene specific databases. This variant is also absent from the Genome Aggregation Database (v2.1.1), indicating it is not a common polymorphism. Computational analyses predict that this variant is neutral (REVEL: 0.101). Due to limited information, the clinical significance of this variant is uncertain at this time.

NM_001142864.4(PIEZO1):c.2310G>C (p.Gln770His)

Genes: HSALR1 (HSP90AB1 associated lncRNA 1; plus strand), PIEZO1 (piezo type mechanosensitive ion channel component 1 (Er blood group); minus strand). Cytogenetic location: 16q24.3.
Variant type: single nucleotide variant.
Coding change: c.2310G>C on transcript NM_001142864.4 (MANE Select); coding-DNA position 2310, G replaced by C.
Protein change: p.Gln770His; replaces glutamine 770 with histidine.
Molecular consequence: missense variant.
Genome position (GRCh38, 1-based): chr16:88,733,925, C>G on the plus strand (G>C on the coding strand, the complement: PIEZO1 is on the minus strand). VCF-style: chr16-88733925-C-G. GRCh37 (hg19) VCF-style: chr16-88800333-C-G.
Other names: short protein forms Q770H.
Identifiers: ClinVar variation 4685800 (VCV004685800.1).